The following is an entry in ClinVar:

ClinVar aggregate classification (germline): Uncertain significance. Review status: criteria provided, multiple submitters, no conflicts (2 of 4 stars). 2 submissions from 2 submitters: Uncertain significance (2). Last evaluated 2025-10-22.

gnomAD v4.1: 48 of 1,614,078 alleles (0.003%); highest among the groups gnomAD compares: South Asian, 0.046%; 1 homozygote.

Submissions (2):

Ambry Genetics
Classification: Uncertain significance. Last evaluated: 2025-10-22. Review status: criteria provided, single submitter. Criteria: Ambry Variant Classification Scheme 2023. Collection method: clinical testing. Allele origin: germline.

Labcorp Genetics (formerly Invitae), Labcorp
Classification: Uncertain significance. Last evaluated: 2024-05-02. Review status: criteria provided, single submitter. Criteria: Invitae Variant Classification Sherloc (09022015). Collection method: clinical testing. Allele origin: germline.
Comment: This sequence change replaces alanine, which is neutral and non-polar, with threonine, which is neutral and polar, at codon 486 of the ANKZF1 protein (p.Ala486Thr). This variant is present in population databases (rs775779269, gnomAD 0.04%). This variant has not been reported in the literature in individuals affected with ANKZF1-related conditions. An algorithm developed to predict the effect of missense changes on protein structure and function (PolyPhen-2) suggests that this variant is likely to be tolerated. In summary, the available evidence is currently insufficient to determine the role of this variant in disease. Therefore, it has been classified as a Variant of Uncertain Significance.

NM_018089.3(ANKZF1):c.1456G>A (p.Ala486Thr)

Gene: ANKZF1 (ankyrin repeat and zinc finger peptidyl tRNA hydrolase 1; plus strand). Cytogenetic location: 2q35.
Variant type: single nucleotide variant.
Coding change: c.1456G>A on transcript NM_018089.3 (MANE Select); coding-DNA position 1456, G replaced by A.
Protein change: p.Ala486Thr; replaces alanine 486 with threonine.
Molecular consequence: missense variant.
Genome position (GRCh38, 1-based): chr2:219,235,077, G>A. VCF-style: chr2-219235077-G-A. GRCh37 (hg19) VCF-style: chr2-220099799-G-A.
Other names: c.1456G>A, p.Ala486Thr (NM_001042410.2); c.826G>A, p.Ala276Thr (NM_001282792.2); c.1456G>A (NM_018089.2); short protein forms A486T, A276T.
Identifiers: ClinVar variation 3704040 (VCV003704040.3).
Genomic context (GRCh38, chr2:219,235,077, plus strand): 5'-GAGCCTTCCACACAGTCATCCCAGGCAGTTGCTGCCCCCTTGGGCCCTTTGCTGGATGAG[G>A]CCAAAGCCCCTGGTCAGCCAGAGCTCTGGAATGCACTGCTTGCTGCTTGCCGAGCTGGAG-3'
Protein context (NP_060559.2, residues 476-496): AAPLGPLLDE[Ala486Thr]KAPGQPELWN